The following is an entry in ClinVar:

ClinVar aggregate classification (germline): Uncertain significance (1 of 4 stars; one submission).

Allele frequency attached by ClinVar (database versions not stated): TOPMed below 0.00001; gnomAD 0.00001.

Submission:

Labcorp Genetics (formerly Invitae), Labcorp
Classification: Uncertain significance. Last evaluated: 2023-12-11. Review status: criteria provided, single submitter. Criteria: Invitae Variant Classification Sherloc (09022015). Collection method: clinical testing. Allele origin: germline.
Comment: This sequence change replaces glycine, which is neutral and non-polar, with serine, which is neutral and polar, at codon 9 of the NDUFS2 protein (p.Gly9Ser). This variant is not present in population databases (gnomAD no frequency). This variant has not been reported in the literature in individuals affected with NDUFS2-related conditions. ClinVar contains an entry for this variant (Variation ID: 2192777). Algorithms developed to predict the effect of missense changes on protein structure and function output the following: SIFT: "Not Available"; PolyPhen-2: "Benign"; Align-GVGD: "Not Available". The serine amino acid residue is found in multiple mammalian species, which suggests that this missense change does not adversely affect protein function. In summary, the available evidence is currently insufficient to determine the role of this variant in disease. Therefore, it has been classified as a Variant of Uncertain Significance.

NM_001377299.1(NDUFS2):c.25G>A (p.Gly9Ser)

Genes: NDUFS2 (NADH:ubiquinone oxidoreductase core subunit S2; plus strand), LOC129931761 (ATAC-STARR-seq lymphoblastoid active region 1985; plus strand). Cytogenetic location: 1q23.3.
Variant type: single nucleotide variant.
Coding change: c.25G>A on transcript NM_001377299.1 (MANE Select); coding-DNA position 25, G replaced by A.
Protein change: p.Gly9Ser; replaces glycine 9 with serine.
Molecular consequence: missense variant. On other transcripts: non-coding transcript variant (1).
Genome position (GRCh38, 1-based): chr1:161,202,410, G>A. VCF-style: chr1-161202410-G-A. GRCh37 (hg19) VCF-style: chr1-161172200-G-A.
Other names: c.25G>A, p.Gly9Ser (NM_001166159.2, NM_001377298.1, NM_001377300.1 and 4 more transcripts); short protein forms G9S.
Identifiers: ClinVar variation 2192777 (VCV002192777.4), dbSNP rs1665182221, ClinGen allele CA343376609.